The following is an entry in ClinVar:

ClinVar aggregate classification (germline): Uncertain significance (1 of 4 stars; one submission).

Conditions:
Early-infantile DEE. Also called: Early infantile epileptic encephalopathy; Ohtahara syndrome; Early infantile epileptic encephalopathy with suppression bursts. Identifiers: Orphanet 1934, MedGen C0393706, MONDO:0800491.

gnomAD v4.1: 13 of 1,613,896 alleles (0.00081%); highest among the groups gnomAD compares: Non-Finnish European, 0.001%; no homozygotes.

Submission:

Labcorp Genetics (formerly Invitae), Labcorp
Classification: Uncertain significance for Early-infantile DEE. Last evaluated: 2024-05-23. Review status: criteria provided, single submitter. Criteria: Invitae Variant Classification Sherloc (09022015). Collection method: clinical testing. Allele origin: germline.
Comment: This sequence change replaces alanine, which is neutral and non-polar, with valine, which is neutral and non-polar, at codon 657 of the KCNH5 protein (p.Ala657Val). This variant is not present in population databases (gnomAD no frequency). This missense change has been observed in individual(s) with clinical features of KCNH5-related conditions (Invitae). ClinVar contains an entry for this variant (Variation ID: 1390976). An algorithm developed to predict the effect of missense changes on protein structure and function (PolyPhen-2) suggests that this variant is likely to be disruptive. In summary, the available evidence is currently insufficient to determine the role of this variant in disease. Therefore, it has been classified as a Variant of Uncertain Significance.

NM_139318.5(KCNH5):c.1970C>T (p.Ala657Val)

Gene: KCNH5 (potassium voltage-gated channel subfamily H member 5; minus strand). Cytogenetic location: 14q23.2.
Variant type: single nucleotide variant.
Coding change: c.1970C>T on transcript NM_139318.5 (MANE Select); coding-DNA position 1970, C replaced by T.
Protein change: p.Ala657Val; replaces alanine 657 with valine.
Molecular consequence: missense variant. On other transcripts: intron variant (1).
Genome position (GRCh38, 1-based): chr14:62,779,777, G>A on the plus strand (C>T on the coding strand, the complement: KCNH5 is on the minus strand). VCF-style: chr14-62779777-G-A. GRCh37 (hg19) VCF-style: chr14-63246495-G-A.
Other names: c.1822+22552C>T (NM_172375.3); short protein forms A657V.
Identifiers: ClinVar variation 1390976 (VCV001390976.9), dbSNP rs143775193, ClinGen allele CA390099107.